The following is an entry in ClinVar:

ClinVar aggregate classification (germline): Uncertain significance (1 of 4 stars; one submission).

gnomAD v4.1: 2 of 1,614,240 alleles (0.00012%); highest among the groups gnomAD compares: South Asian, 0.0011%; no homozygotes.

Submission:

GeneDx
Classification: Uncertain significance. Last evaluated: 2025-08-11. Review status: criteria provided, single submitter. Criteria: GeneDx Variant Classification Process June 2021. Collection method: clinical testing. Allele origin: germline. Affected: yes.
Comment: Not observed at significant frequency in large population cohorts (gnomAD); Has not been previously published as pathogenic or benign to our knowledge; Alters the Kozak sequence, which plays a major role in the initiation of translation

NM_020320.5(RARS2):c.-3G>T

Gene: RARS2 (arginyl-tRNA synthetase 2, mitochondrial; minus strand). Cytogenetic location: 6q15.
Variant type: single nucleotide variant.
Coding change: c.-3G>T on transcript NM_020320.5 (MANE Select); 3 bases upstream of the start codon, G replaced by T.
Molecular consequence: 5 prime UTR variant. On other transcripts: non-coding transcript variant (23).
Genome position (GRCh38, 1-based): chr6:87,589,960, C>A on the plus strand (G>T on the coding strand, the complement: RARS2 is on the minus strand). VCF-style: chr6-87589960-C-A. GRCh37 (hg19) VCF-style: chr6-88299678-C-A.
Other names: c.-693G>T (NM_001318785.2); c.-3G>T (NM_001350505.2); c.-749G>T (NM_001350506.2, NM_001350510.2); c.-872G>T (NM_001350507.2); c.-911G>T (NM_001350508.2); c.-619G>T (NM_001350509.2); c.-868G>T (NM_001350511.2).
Identifiers: ClinVar variation 4795505 (VCV004795505.1).